The following is an entry in ClinVar:

ClinVar aggregate classification (germline): Uncertain significance (1 of 4 stars; one submission).

Allele frequency attached by ClinVar (database versions not stated): 1000 Genomes Project 0.00040; ExAC 0.00005; gnomAD 0.00003; 1000 Genomes Project 30x 0.00031.
gnomAD v4.1: 38 of 1,613,202 alleles (0.0024%); highest among the groups gnomAD compares: South Asian, 0.04%; 1 homozygote.

Submission:

Labcorp Genetics (formerly Invitae), Labcorp
Classification: Uncertain significance. Last evaluated: 2025-03-10. Review status: criteria provided, single submitter. Criteria: Invitae Variant Classification Sherloc (09022015). Collection method: clinical testing. Allele origin: germline.
Comment: This sequence change replaces glutamic acid, which is acidic and polar, with aspartic acid, which is acidic and polar, at codon 919 of the AP3D1 protein (p.Glu919Asp). This variant is present in population databases (rs538875124, gnomAD 0.04%). This variant has not been reported in the literature in individuals affected with AP3D1-related conditions. ClinVar contains an entry for this variant (Variation ID: 1399384). An algorithm developed to predict the effect of missense changes on protein structure and function outputs the following: PolyPhen-2: "Benign". The aspartic acid amino acid residue is found in multiple mammalian species, which suggests that this missense change does not adversely affect protein function. In summary, the available evidence is currently insufficient to determine the role of this variant in disease. Therefore, it has been classified as a Variant of Uncertain Significance.

NM_001261826.3(AP3D1):c.2757G>C (p.Glu919Asp)

Gene: AP3D1 (adaptor related protein complex 3 subunit delta 1; minus strand). Cytogenetic location: 19p13.3.
Variant type: single nucleotide variant.
Coding change: c.2757G>C on transcript NM_001261826.3 (MANE Select); coding-DNA position 2757, G replaced by C.
Protein change: p.Glu919Asp; replaces glutamic acid 919 with aspartic acid.
Molecular consequence: missense variant. On other transcripts: intron variant (1).
Genome position (GRCh38, 1-based): chr19:2,112,890, C>G on the plus strand (G>C on the coding strand, the complement: AP3D1 is on the minus strand). VCF-style: chr19-2112890-C-G. GRCh37 (hg19) VCF-style: chr19-2112889-C-G.
Other names: c.2721G>C, p.Glu907Asp (NM_001374799.1); c.2602-1062G>C (NM_003938.8); short protein forms E907D, E919D.
Identifiers: ClinVar variation 1399384 (VCV001399384.6), dbSNP rs538875124, ClinGen allele CA9058743.